The following is an entry in ClinVar:

ClinVar aggregate classification (germline): Uncertain significance. Review status: criteria provided, multiple submitters, no conflicts (2 of 4 stars). 7 submissions from 7 submitters: Uncertain significance (7). Last evaluated 2026-02-18.

Conditions:
Inborn genetic diseases. Identifiers: MedGen C0950123, MeSH D030342.
Combined immunodeficiency due to ZAP70 deficiency (IMD48). Also called: Immunodeficiency 48; ZAP70 Deficiency. Identifiers: Orphanet 911, MedGen C2931299, MONDO:0010023, OMIM 269840.
Autoimmune disease, multisystem, infantile-onset, 2 (ADMIO2). Identifiers: MedGen C4310768, MONDO:0014861, OMIM 617006.

Allele frequency attached by ClinVar (database versions not stated): gnomAD 0.00005; gnomAD exomes 0.00005 and 0.00004; TOPMed 0.00007; ESP Exome Variant Server 0.00008; ExAC 0.00010.

Submissions (7):

Women's Health and Genetics/Laboratory Corporation of America, LabCorp
Classification: Uncertain significance. Last evaluated: 2026-02-18. Review status: criteria provided, single submitter. Criteria: LabCorp Variant Classification Summary - May 2015. Collection method: clinical testing. Allele origin: germline.

Ambry Genetics
Classification: Uncertain significance for Inborn genetic diseases. Last evaluated: 2025-07-31. Review status: criteria provided, single submitter. Criteria: Ambry Variant Classification Scheme 2023. Collection method: clinical testing. Allele origin: germline.

Blueprint Genetics
Classification: Uncertain significance. Last evaluated: 2024-01-09. Review status: criteria provided, single submitter. Criteria: ACMG Guidelines, 2015. Collection method: clinical testing. Allele origin: germline.

Labcorp Genetics (formerly Invitae), Labcorp
Classification: Uncertain significance for Combined immunodeficiency due to ZAP70 deficiency. Last evaluated: 2022-09-19. Review status: criteria provided, single submitter. Criteria: Invitae Variant Classification Sherloc (09022015). Collection method: clinical testing. Allele origin: germline.
Comment: This sequence change replaces leucine, which is neutral and non-polar, with phenylalanine, which is neutral and non-polar, at codon 330 of the ZAP70 protein (p.Leu330Phe). This variant is present in population databases (rs371574765, gnomAD 0.01%). This variant has not been reported in the literature in individuals affected with ZAP70-related conditions. ClinVar contains an entry for this variant (Variation ID: 659011). Algorithms developed to predict the effect of missense changes on protein structure and function are either unavailable or do not agree on the potential impact of this missense change (SIFT: "Not Available"; PolyPhen-2: "Benign"; Align-GVGD: "Not Available"). In summary, the available evidence is currently insufficient to determine the role of this variant in disease. Therefore, it has been classified as a Variant of Uncertain Significance.

Fulgent Genetics
Classification: Uncertain significance for Combined immunodeficiency due to ZAP70 deficiency; Autoimmune disease, multisystem, infantile-onset, 2. Last evaluated: 2022-02-04. Review status: criteria provided, single submitter. Criteria: ACMG Guidelines, 2015. Collection method: clinical testing. Allele origin: unknown.

Illumina Laboratory Services, Illumina
Classification: Uncertain significance for Combined immunodeficiency due to ZAP70 deficiency. Last evaluated: 2018-01-13. Review status: criteria provided, single submitter. Criteria: ICSL Variant Classification Criteria 13 December 2019. Collection method: clinical testing. Allele origin: germline.

Breakthrough Genomics
Classification: Uncertain significance. Review status: criteria provided, single submitter. Criteria: ACMG Guidelines, 2015. Collection method: not provided. Allele origin: germline. Inheritance: Autosomal recessive inheritance. Affected: yes.

NM_001079.4(ZAP70):c.988C>T (p.Leu330Phe)

Gene: ZAP70 (zeta chain of T cell receptor associated protein kinase 70; plus strand). Cytogenetic location: 2q11.2.
Variant type: single nucleotide variant.
Coding change: c.988C>T on transcript NM_001079.4 (MANE Select); coding-DNA position 988, C replaced by T.
Protein change: p.Leu330Phe; replaces leucine 330 with phenylalanine.
Molecular consequence: missense variant.
Genome position (GRCh38, 1-based): chr2:97,734,618, C>T. VCF-style: chr2-97734618-C-T. GRCh37 (hg19) VCF-style: chr2-98351081-C-T.
Other names: c.988C>T, p.Leu330Phe (NM_001378594.1); c.67C>T, p.Leu23Phe (NM_207519.2); short protein forms L23F, L330F.
Identifiers: ClinVar variation 659011 (VCV000659011.15), dbSNP rs371574765, ClinGen allele CA1790337.
Genomic context (GRCh38, chr2:97,734,618, plus strand): 5'-ATGGACACGAGCGTGTATGAGAGCCCCTACAGCGACCCAGAGGAGCTCAAGGACAAGAAG[C>T]TCTTCCTGAAGCGCGATAACCTCCTCATAGCTGACATTGAACTTGGCTGCGGCAACTTTG-3'
Protein context (NP_001070.2, residues 320-340): SDPEELKDKK[Leu330Phe]FLKRDNLLIA